The following is an entry in ClinVar:

ClinVar aggregate classification (germline): Uncertain significance. Review status: criteria provided, single submitter (1 of 4 stars). 2 submissions from 2 submitters: Uncertain significance (1). 1 of the submissions does not count toward it. Last evaluated 2022-02-19.

Conditions:
VPS13B-related disorder. Also called: VPS13B-related condition.
Cohen syndrome (COH1). Also called: PEPPER SYNDROME; Cutis verticis gyrata, retinitis pigmentosa, and sensorineural deafness. Identifiers: Orphanet 193, MedGen C0265223, MONDO:0008999, OMIM 216550.

Allele frequency attached by ClinVar (database versions not stated): gnomAD exomes below 0.00001; TOPMed below 0.00001; ExAC 0.00001.
gnomAD v4.1: 1 of 1,614,210 alleles (0.000062%); highest among the groups gnomAD compares: Admixed American, 0.0017%; no homozygotes.

Submissions (2):

Labcorp Genetics (formerly Invitae), Labcorp
Classification: Uncertain significance for Cohen syndrome. Last evaluated: 2022-02-19. Review status: criteria provided, single submitter. Criteria: Invitae Variant Classification Sherloc (09022015). Collection method: clinical testing. Allele origin: germline.
Comment: This sequence change replaces glycine, which is neutral and non-polar, with serine, which is neutral and polar, at codon 3512 of the VPS13B protein (p.Gly3512Ser). This variant is present in population databases (rs780327800, gnomAD 0.003%). This variant has not been reported in the literature in individuals affected with VPS13B-related conditions. Algorithms developed to predict the effect of missense changes on protein structure and function output the following: SIFT: "Not Available"; PolyPhen-2: "Benign"; Align-GVGD: "Not Available". The serine amino acid residue is found in multiple mammalian species, which suggests that this missense change does not adversely affect protein function. In summary, the available evidence is currently insufficient to determine the role of this variant in disease. Therefore, it has been classified as a Variant of Uncertain Significance.

PreventionGenetics, part of Exact Sciences
Classification: Uncertain significance for VPS13B-related condition. Last evaluated: 2024-05-16. Review status: no assertion criteria provided. Collection method: clinical testing. Allele origin: germline. Not counted in ClinVar's aggregate classification.
Comment: The VPS13B c.10459G>A variant is predicted to result in the amino acid substitution p.Gly3487Ser. To our knowledge, this variant has not been reported in the literature. This variant is reported in 0.0029% of alleles in individuals of Latino descent in gnomAD. At this time, the clinical significance of this variant is uncertain due to the absence of conclusive functional and genetic evidence.

NM_152564.5(VPS13B):c.10459G>A (p.Gly3487Ser)

Gene: VPS13B (vacuolar protein sorting 13 homolog B; plus strand). Cytogenetic location: 8q22.2.
Variant type: single nucleotide variant.
Coding change: c.10459G>A on transcript NM_152564.5 (MANE Select); coding-DNA position 10459, G replaced by A.
Protein change: p.Gly3487Ser; replaces glycine 3487 with serine.
Molecular consequence: missense variant.
Genome position (GRCh38, 1-based): chr8:99,853,848, G>A. VCF-style: chr8-99853848-G-A. GRCh37 (hg19) VCF-style: chr8-100866076-G-A.
Other names: c.10534G>A, p.Gly3512Ser (NM_017890.5); short protein forms G3512S, G3487S.
Identifiers: ClinVar variation 2159729 (VCV002159729.2), dbSNP rs780327800, ClinGen allele CA4824953.